The following is an entry in ClinVar:

ClinVar aggregate classification (germline): Likely pathogenic (1 of 4 stars; one submission).

Conditions:
Birt-Hogg-Dube syndrome. Also called: Birt Hogg Dubé syndrome. Identifiers: Orphanet 122, MedGen C0346010, MONDO:0800444.

Submission:

Labcorp Genetics (formerly Invitae), Labcorp
Classification: Likely pathogenic for Birt-Hogg-Dube syndrome. Last evaluated: 2023-12-19. Review status: criteria provided, single submitter. Criteria: Invitae Variant Classification Sherloc (09022015). Collection method: clinical testing. Allele origin: germline.
Comment: This sequence change affects a donor splice site in intron 4 of the FLCN gene. It is expected to disrupt RNA splicing. Variants that disrupt the donor or acceptor splice site typically lead to a loss of protein function (PMID: 16199547), and loss-of-function variants in FLCN are known to be pathogenic (PMID: 15852235). This variant is not present in population databases (gnomAD no frequency). Disruption of this splice site has been observed in individual(s) with Birt-Hogg-Dubé syndrome (PMID: 28558743). Algorithms developed to predict the effect of sequence changes on RNA splicing suggest that this variant may disrupt the consensus splice site. In summary, the currently available evidence indicates that the variant is pathogenic, but additional data are needed to prove that conclusively. Therefore, this variant has been classified as Likely Pathogenic.

Literature cited by the submitters: PubMed 16199547; PubMed 15852235; PubMed 28558743.

NM_144997.7(FLCN):c.249+1G>A

Gene: FLCN (folliculin; minus strand). Cytogenetic location: 17p11.2.
Variant type: single nucleotide variant.
Coding change: c.249+1G>A on transcript NM_144997.7 (MANE Select); the canonical splice donor site of the intron after coding-DNA position 249, G replaced by A.
Molecular consequence: splice donor variant.
Genome position (GRCh38, 1-based): chr17:17,227,888, C>T on the plus strand (G>A on the coding strand, the complement: FLCN is on the minus strand). VCF-style: chr17-17227888-C-T. GRCh37 (hg19) VCF-style: chr17-17131202-C-T.
Other names: c.249+1G>A (NM_001353231.2, NM_001353230.2, NM_001353229.2 and 1 more transcripts).
Identifiers: ClinVar variation 2704350 (VCV002704350.3), dbSNP rs1060502369, ClinGen allele CA398535007.